The following is an entry in ClinVar:

NM_020365.5(EIF2B3):c.71C>T (p.Pro24Leu)

Gene: EIF2B3 (eukaryotic translation initiation factor 2B subunit gamma; minus strand). Cytogenetic location: 1p34.1.
Variant type: single nucleotide variant.
Coding change: c.71C>T on transcript NM_020365.5 (MANE Select); coding-DNA position 71, C replaced by T.
Protein change: p.Pro24Leu; replaces proline 24 with leucine.
Molecular consequence: missense variant.
Genome position (GRCh38, 1-based): chr1:44,981,098, G>A on the plus strand (C>T on the coding strand, the complement: EIF2B3 is on the minus strand). VCF-style: chr1-44981098-G-A. GRCh37 (hg19) VCF-style: chr1-45446770-G-A.
Other names: c.71C>T, p.Pro24Leu (NM_001166588.3, NM_001261418.2); c.71C>T (NM_020365.3); short protein forms P24L.
Identifiers: ClinVar variation 1496820 (VCV001496820.39), dbSNP rs151320540, ClinGen allele CA824109.

ClinVar aggregate classification (germline): Conflicting classifications of pathogenicity. Review status: criteria provided, conflicting classifications (1 of 4 stars). 5 submissions from 5 submitters: Uncertain significance (4); Likely benign (1). Last evaluated 2025-10-03.

Conditions:
Vanishing white matter disease. Also called: CACH syndrome; Childhood ataxia with diffuse central nervous system hypomyelination; Leukoencephalopathy with vanishing white matter; CACH/VWM syndrome; Cree leukoencehalopathy. Identifiers: Orphanet 135, Orphanet 99853, MedGen C1858991, MONDO:0800448.

Allele frequency attached by ClinVar (database versions not stated): ESP Exome Variant Server 0.00008; TOPMed 0.00014; gnomAD 0.00017 and 0.00018; gnomAD exomes 0.00020 and 0.00026; ExAC 0.00026.
gnomAD v4.1: 403 of 1,613,004 alleles (0.025%); highest among the groups gnomAD compares: South Asian, 0.034%; no homozygotes.

Submissions (5):

Athena Diagnostics
Classification: Likely benign. Last evaluated: 2025-10-03. Review status: criteria provided, single submitter. Criteria: Athena Diagnostics Criteria. Collection method: clinical testing. Allele origin: unknown.
Comment: The frequency of this variant in the general population is higher than would generally be expected for pathogenic variants in this gene.

Labcorp Genetics (formerly Invitae), Labcorp
Classification: Uncertain significance. Last evaluated: 2024-10-24. Review status: criteria provided, single submitter. Criteria: Invitae Variant Classification Sherloc (09022015). Collection method: clinical testing. Allele origin: germline.
Comment: This sequence change replaces proline, which is neutral and non-polar, with leucine, which is neutral and non-polar, at codon 24 of the EIF2B3 protein (p.Pro24Leu). This variant is present in population databases (rs151320540, gnomAD 0.04%). This variant has not been reported in the literature in individuals affected with EIF2B3-related conditions. ClinVar contains an entry for this variant (Variation ID: 1496820). Invitae Evidence Modeling of protein sequence and biophysical properties (such as structural, functional, and spatial information, amino acid conservation, physicochemical variation, residue mobility, and thermodynamic stability) indicates that this missense variant is not expected to disrupt EIF2B3 protein function with a negative predictive value of 80%. In summary, the available evidence is currently insufficient to determine the role of this variant in disease. Therefore, it has been classified as a Variant of Uncertain Significance.

Blueprint Genetics
Classification: Uncertain significance. Last evaluated: 2024-08-23. Review status: criteria provided, single submitter. Criteria: ACMG Guidelines, 2015. Collection method: clinical testing. Allele origin: germline.

CeGaT Center for Human Genetics Tuebingen
Classification: Uncertain significance. Last evaluated: 2024-01-01. Review status: criteria provided, single submitter. Criteria: CeGaT Center For Human Genetics Tuebingen Variant Classification Criteria Version 2. Collection method: clinical testing. Allele origin: germline. Affected: yes. Observed: 2 variant alleles.
Comment: EIF2B3: PM2

Victorian Clinical Genetics Services, Murdoch Childrens Research Institute
Classification: Uncertain significance for Leukoencephalopathy with vanishing white matter 1. Last evaluated: 2020-10-19. Review status: criteria provided, single submitter. Criteria: ACMG Guidelines, 2015. Collection method: clinical testing. Allele origin: germline. Inheritance: Autosomal recessive inheritance. Affected: yes.
Comment: Based on the classification scheme VCGS_Germline_v1.3.3, this variant is classified as VUS - 3B. Following criteria are met: 0102 - Loss of function is a known mechanism of disease in this gene and is associated with leukoencephalopathy with vanishing white matter (MIM#603896). (I) 0106 - This gene is associated with autosomal recessive disease. (I) 0200 - Variant is predicted to result in a missense amino acid change from proline to leucine. (I) 0251 - This variant is heterozygous. (I) 0304 - Variant is present in gnomAD v2 <0.01 for a recessive condition (57 heterozygotes, 0 homozygotes). (SP) 0501 - Missense variant consistently predicted to be damaging by multiple in silico tools or highly conserved with a major amino acid change. (SP) 0600 - Variant is located in the annotated nucleotidyl transferase domain (PDB). (I) 0705 - No comparable missense variants have previous evidence for pathogenicity. (I) 0807 - This variant has no previous evidence of pathogenicity. (I) 0905 - No published segregation evidence has been identified for this variant. (I) 1007 - No published functional evidence has been identified for this variant. (I) 1208 - Inheritance information for this variant is not currently available in this individual. (I) Legend: (SP) - Supporting pathogenic, (I) - Information, (SB) - Supporting benign

Literature cited by the submitters: PubMed 38539105 (cited by Athena Diagnostics).